The following is an entry in ClinVar:

ClinVar aggregate classification (germline): Benign (1 of 4 stars; one submission).

Conditions:
Childhood apraxia of speech (SPCH1). Also called: FOXP2-Related Speech and Language Disorder; DEVELOPMENTAL VERBAL DYSPRAXIA; SPEECH AND LANGUAGE DISORDER WITH OROFACIAL DYSPRAXIA; Speech language disorder. Identifiers: Orphanet 209908, MedGen C0750927, MONDO:0011184, OMIM 602081.

Allele frequency attached by ClinVar (database versions not stated): gnomAD exomes below 0.00001 and 0.00001; gnomAD 0.00001; TOPMed 0.00001; ExAC 0.00002.

Submission:

Illumina Laboratory Services, Illumina
Classification: Benign for Childhood apraxia of speech. Last evaluated: 2018-01-12. Review status: criteria provided, single submitter. Criteria: ICSL Variant Classification Criteria 13 December 2019. Collection method: clinical testing. Allele origin: germline.
Comment: This variant was observed in the ICSL laboratory as part of a predisposition screen in an ostensibly healthy population. It had not been previously curated by ICSL or reported in the Human Gene Mutation Database (HGMD: prior to June 1st, 2018), and was therefore a candidate for classification through an automated scoring system. Utilizing variant allele frequency, disease prevalence and penetrance estimates, and inheritance mode, an automated score was calculated to assess if this variant is too frequent to cause the disease. Based on the score and internal cut-off values, a variant classified as benign is not then subjected to further curation. The score for this variant resulted in a classification of benign for this disease.

NM_014491.4(FOXP2):c.1441G>A (p.Asp481Asn)

Gene: FOXP2 (forkhead box P2; plus strand). Cytogenetic location: 7q31.1.
Variant type: single nucleotide variant.
Coding change: c.1441G>A on transcript NM_014491.4 (MANE Select); coding-DNA position 1441, G replaced by A.
Protein change: p.Asp481Asn; replaces aspartic acid 481 with asparagine.
Molecular consequence: missense variant. On other transcripts: non-coding transcript variant (1).
Genome position (GRCh38, 1-based): chr7:114,658,240, G>A. VCF-style: chr7-114658240-G-A. GRCh37 (hg19) VCF-style: chr7-114298295-G-A.
Other names: c.1438G>A, p.Asp480Asn (NM_001172766.3); c.1516G>A, p.Asp506Asn (NM_148898.4); c.1492G>A, p.Asp498Asn (NM_148900.4); short protein forms D481N, D480N, D498N, D506N.
Identifiers: ClinVar variation 909705 (VCV000909705.4), dbSNP rs755825043, ClinGen allele CA4446106.